The following is an entry in ClinVar:

NM_001382391.1(CSPP1):c.3364C>T (p.Leu1122Phe)

Genes: ARFGEF1 (ARF guanine nucleotide exchange factor 1; minus strand), CSPP1 (centrosome and spindle pole associated protein 1; plus strand). Cytogenetic location: 8q13.2.
Variant type: single nucleotide variant.
Coding change: c.3364C>T on transcript NM_001382391.1 (MANE Select); coding-DNA position 3364, C replaced by T.
Protein change: p.Leu1122Phe; replaces leucine 1122 with phenylalanine.
Molecular consequence: missense variant. On other transcripts: intron variant (3).
Genome position (GRCh38, 1-based): chr8:67,193,497, C>T. VCF-style: chr8-67193497-C-T. GRCh37 (hg19) VCF-style: chr8-68105732-C-T.
Other names: c.2314C>T, p.Leu772Phe (NM_001291339.2); c.3283C>T, p.Leu1095Phe (NM_001363131.2); c.3169C>T, p.Leu1057Phe (NM_001363132.2); c.3088C>T, p.Leu1030Phe (NM_001363133.2); c.3430C>T, p.Leu1144Phe (NM_001364869.1); c.3250C>T, p.Leu1084Phe (NM_001364870.1); c.3196C>T, p.Leu1066Phe (NM_001438330.1); c.2665C>T, p.Leu889Phe (NM_001438332.1); and 4 more; short protein forms L1030F, L1122F, L1144F, L1084F, L1095F, L772F, L1057F, L1117F.
Identifiers: ClinVar variation 1445562 (VCV001445562.8), dbSNP rs1421998303, ClinGen allele CA371202938.

ClinVar aggregate classification (germline): Uncertain significance. Review status: criteria provided, multiple submitters, no conflicts (2 of 4 stars). 2 submissions from 2 submitters: Uncertain significance (2). Last evaluated 2025-12-16.

Conditions:
Inborn genetic diseases. Identifiers: MedGen C0950123, MeSH D030342.
Joubert syndrome 21 (JBTS21). Identifiers: MedGen C3810212, MONDO:0014288, OMIM 615636.

Allele frequency attached by ClinVar (database versions not stated): gnomAD 0.00003; gnomAD exomes 0.00001; TOPMed 0.00002.
gnomAD v4.1: 33 of 1,613,020 alleles (0.002%); highest among the groups gnomAD compares: Non-Finnish European, 0.0027%; no homozygotes.

Submissions (2):

Ambry Genetics
Classification: Uncertain significance for Inborn genetic diseases. Last evaluated: 2025-12-16. Review status: criteria provided, single submitter. Criteria: Ambry Variant Classification Scheme 2023. Collection method: clinical testing. Allele origin: germline.

Labcorp Genetics (formerly Invitae), Labcorp
Classification: Uncertain significance for Joubert syndrome 21. Last evaluated: 2021-06-25. Review status: criteria provided, single submitter. Criteria: Invitae Variant Classification Sherloc (09022015). Collection method: clinical testing. Allele origin: germline.
Comment: This sequence change replaces leucine with phenylalanine at codon 1117 of the CSPP1 protein (p.Leu1117Phe). The leucine residue is moderately conserved and there is a small physicochemical difference between leucine and phenylalanine. In summary, the available evidence is currently insufficient to determine the role of this variant in disease. Therefore, it has been classified as a Variant of Uncertain Significance. Algorithms developed to predict the effect of missense changes on protein structure and function output the following: SIFT: "Deleterious"; PolyPhen-2: "Benign"; Align-GVGD: "Class C0". The phenylalanine amino acid residue is found in multiple mammalian species, which suggests that this missense change does not adversely affect protein function. This variant has not been reported in the literature in individuals affected with CSPP1-related conditions. This variant is not present in population databases (ExAC no frequency).